The following is an entry in ClinVar:

ClinVar aggregate classification (germline): Uncertain significance (1 of 4 stars; one submission).

Conditions:
Neurodevelopmental, jaw, eye, and digital syndrome (NEDJED). Identifiers: MedGen C5394477, MONDO:0030057, OMIM 618914.

Submission:

Clinical Genetics Laboratory, University Hospital Schleswig-Holstein
Classification: Uncertain significance for Neurodevelopmental, jaw, eye, and digital syndrome. Last evaluated: 2025-12-19. Review status: criteria provided, single submitter. Criteria: ACMG Guidelines, 2015. Collection method: clinical testing. Allele origin: de novo. Affected: yes. Observed: 1 heterozygote.
Comment: ACMG criteria applied: PM2, PP3, PP2, PS2_Supporting

NM_001378974.1(FBXW11):c.908C>T (p.Ser303Phe)

Gene: FBXW11 (F-box and WD repeat domain containing 11; minus strand). Cytogenetic location: 5q35.1.
Variant type: single nucleotide variant.
Coding change: c.908C>T on transcript NM_001378974.1 (MANE Select); coding-DNA position 908, C replaced by T.
Protein change: p.Ser303Phe; replaces serine 303 with phenylalanine.
Molecular consequence: missense variant.
Genome position (GRCh38, 1-based): chr5:171,878,074, G>A on the plus strand (C>T on the coding strand, the complement: FBXW11 is on the minus strand). VCF-style: chr5-171878074-G-A. GRCh37 (hg19) VCF-style: chr5-171305078-G-A.
Other names: c.839C>T, p.Ser280Phe (NM_001378975.1); c.812C>T, p.Ser271Phe (NM_001378976.1); c.749C>T, p.Ser250Phe (NM_001378977.1, NM_001378978.1, NM_001378979.1); c.743C>T, p.Ser248Phe (NM_001378980.1, NM_033645.3); c.845C>T, p.Ser282Phe (NM_012300.3); c.806C>T, p.Ser269Phe (NM_033644.3); short protein forms S248F, S280F, S303F, S250F, S269F, S271F, S282F.
Identifiers: ClinVar variation 4891552 (VCV004891552.1).